The following is an entry in ClinVar:

NM_001033855.3(DCLRE1C):c.1270A>T (p.Lys424Ter)

Gene: DCLRE1C (DNA cross-link repair 1C; minus strand). Cytogenetic location: 10p13.
Variant type: single nucleotide variant.
Coding change: c.1270A>T on transcript NM_001033855.3 (MANE Select); coding-DNA position 1270, A replaced by T.
Protein change: p.Lys424Ter; replaces lysine 424 with a stop codon.
Molecular consequence: nonsense. On other transcripts: non-coding transcript variant (4).
Genome position (GRCh38, 1-based): chr10:14,909,217, T>A on the plus strand (A>T on the coding strand, the complement: DCLRE1C is on the minus strand). VCF-style: chr10-14909217-T-A. GRCh37 (hg19) VCF-style: chr10-14951216-T-A.
Other names: c.910A>T, p.Lys304Ter (NM_001033857.3, NM_001033858.3, NM_001289077.2 and 2 more transcripts); c.925A>T, p.Lys309Ter (NM_001289076.2, NM_001289078.2, NM_001350966.2 and 1 more transcripts); c.1270A>T, p.Lys424Ter (NM_001350965.2); short protein forms K304*, K309*, K424*.
Identifiers: ClinVar variation 2859930 (VCV002859930.3), dbSNP rs1223502060, ClinGen allele CA376076388.

ClinVar aggregate classification (germline): Pathogenic (1 of 4 stars; one submission).

Conditions:
Severe combined immunodeficiency due to DCLRE1C deficiency (RS-SCID). Also called: SCID, AUTOSOMAL RECESSIVE, T CELL-NEGATIVE, B CELL-NEGATIVE, NK CELL-POSITIVE, WITH SENSITIVITY TO IONIZING RADIATION. Identifiers: Orphanet 275, MedGen C1865371, MONDO:0011225, OMIM 602450.

Allele frequency attached by ClinVar (database versions not stated): TOPMed below 0.00001.

Submission:

Labcorp Genetics (formerly Invitae), Labcorp
Classification: Pathogenic for Athabaskan severe combined immunodeficiency. Last evaluated: 2023-04-28. Review status: criteria provided, single submitter. Criteria: Invitae Variant Classification Sherloc (09022015). Collection method: clinical testing. Allele origin: germline.
Comment: This variant disrupts a region of the DCLRE1C protein in which other variant(s) (p.Thr557Asnfs*21) have been determined to be pathogenic (PMID: 26476407). This suggests that this is a clinically significant region of the protein, and that variants that disrupt it are likely to be disease-causing. For these reasons, this variant has been classified as Pathogenic. This variant has not been reported in the literature in individuals affected with DCLRE1C-related conditions. This variant is not present in population databases (gnomAD no frequency). This sequence change creates a premature translational stop signal (p.Lys424*) in the DCLRE1C gene. While this is not anticipated to result in nonsense mediated decay, it is expected to disrupt the last 269 amino acid(s) of the DCLRE1C protein.

Literature cited by the submitters: PubMed 26476407.